The following is an entry in ClinVar:

NM_001369.3(DNAH5):c.496C>T (p.Arg166Cys)

Gene: DNAH5 (dynein axonemal heavy chain 5; minus strand). Cytogenetic location: 5p15.2.
Variant type: single nucleotide variant.
Coding change: c.496C>T on transcript NM_001369.3 (MANE Select); coding-DNA position 496, C replaced by T.
Protein change: p.Arg166Cys; replaces arginine 166 with cysteine.
Molecular consequence: missense variant.
Genome position (GRCh38, 1-based): chr5:13,922,271, G>A on the plus strand (C>T on the coding strand, the complement: DNAH5 is on the minus strand). VCF-style: chr5-13922271-G-A. GRCh37 (hg19) VCF-style: chr5-13922380-G-A.
Other names: short protein forms R166C.
Identifiers: ClinVar variation 1744454 (VCV001744454.7), dbSNP rs372832680, ClinGen allele CA3205166.
Genomic context (GRCh38, chr5:13,922,271, plus strand): 5'-GCTCGCCCCAGCCATGGCTCGTGGCTCTGAGAGCAGGAATGAAGATGTCCGACAGCAAAC[G>A]TCTCACACTGTTGAGCAGGCCTCCATCTGCCGCATCTAACATGTTAAAACTCACCTCCTG-3'
Protein context (NP_001360.1, residues 156-176): ADGGLLNSVR[Arg166Cys]LLSDIFIPAL

ClinVar aggregate classification (germline): Conflicting classifications of pathogenicity. Review status: criteria provided, conflicting classifications (1 of 4 stars). 2 submissions from 2 submitters: Uncertain significance (1); Likely benign (1). Last evaluated 2024-03-26.

Conditions:
Primary ciliary dyskinesia. Also called: Ciliary dyskinesia. Identifiers: Orphanet 244, MedGen C0008780, MONDO:0016575, HP:0012265.

Allele frequency attached by ClinVar (database versions not stated): gnomAD exomes 0.00001; ExAC 0.00002; TOPMed 0.00002; gnomAD 0.00003; ESP Exome Variant Server 0.00008.

Submissions (2):

Labcorp Genetics (formerly Invitae), Labcorp
Classification: Likely benign for Primary ciliary dyskinesia. Last evaluated: 2024-03-26. Review status: criteria provided, single submitter. Criteria: Invitae Variant Classification Sherloc (09022015). Collection method: clinical testing. Allele origin: germline.

Ambry Genetics
Classification: Uncertain significance for Primary ciliary dyskinesia. Last evaluated: 2019-06-27. Review status: criteria provided, single submitter. Criteria: Ambry Variant Classification Scheme 2023. Collection method: clinical testing. Allele origin: germline.
Comment: The p.R166C variant (also known as c.496C>T), located in coding exon 5 of the DNAH5 gene, results from a C to T substitution at nucleotide position 496. The arginine at codon 166 is replaced by cysteine, an amino acid with highly dissimilar properties. This amino acid position is poorly conserved in available vertebrate species. In addition, this alteration is predicted to be tolerated by in silico analysis. Since supporting evidence is limited at this time, the clinical significance of this alteration remains unclear.